The following is an entry in ClinVar:

NM_007055.4(POLR3A):c.3521G>A (p.Cys1174Tyr)

Gene: POLR3A (RNA polymerase III subunit A; minus strand). Cytogenetic location: 10q22.3.
Variant type: single nucleotide variant.
Coding change: c.3521G>A on transcript NM_007055.4 (MANE Select); coding-DNA position 3521, G replaced by A.
Protein change: p.Cys1174Tyr; replaces cysteine 1174 with tyrosine.
Molecular consequence: missense variant.
Genome position (GRCh38, 1-based): chr10:77,982,726, C>T on the plus strand (G>A on the coding strand, the complement: POLR3A is on the minus strand). VCF-style: chr10-77982726-C-T. GRCh37 (hg19) VCF-style: chr10-79742484-C-T.
Other names: short protein forms C1174Y.
Identifiers: ClinVar variation 1046469 (VCV001046469.5), dbSNP rs764753115, ClinGen allele CA5570804.

ClinVar aggregate classification (germline): Uncertain significance (1 of 4 stars; one submission).

Allele frequency attached by ClinVar (database versions not stated): gnomAD exomes below 0.00001; ExAC 0.00001.

Submission:

Labcorp Genetics (formerly Invitae), Labcorp
Classification: Uncertain significance. Last evaluated: 2025-01-27. Review status: criteria provided, single submitter. Criteria: Invitae Variant Classification Sherloc (09022015). Collection method: clinical testing. Allele origin: germline.
Comment: This sequence change replaces cysteine, which is neutral and slightly polar, with tyrosine, which is neutral and polar, at codon 1174 of the POLR3A protein (p.Cys1174Tyr). This variant is present in population databases (rs764753115, gnomAD 0.0009%). This variant has not been reported in the literature in individuals affected with POLR3A-related conditions. ClinVar contains an entry for this variant (Variation ID: 1046469). Invitae Evidence Modeling of protein sequence and biophysical properties (such as structural, functional, and spatial information, amino acid conservation, physicochemical variation, residue mobility, and thermodynamic stability) indicates that this missense variant is not expected to disrupt POLR3A protein function with a negative predictive value of 80%. In summary, the available evidence is currently insufficient to determine the role of this variant in disease. Therefore, it has been classified as a Variant of Uncertain Significance.